The following is an entry in ClinVar:

NM_006030.4(CACNA2D2):c.1366G>A (p.Gly456Arg)

Gene: CACNA2D2 (calcium voltage-gated channel auxiliary subunit alpha2delta 2; minus strand). Cytogenetic location: 3p21.31.
Variant type: single nucleotide variant.
Coding change: c.1366G>A on transcript NM_006030.4 (MANE Select); coding-DNA position 1366, G replaced by A.
Protein change: p.Gly456Arg; replaces glycine 456 with arginine.
Molecular consequence: missense variant.
Genome position (GRCh38, 1-based): chr3:50,378,307, C>T on the plus strand (G>A on the coding strand, the complement: CACNA2D2 is on the minus strand). VCF-style: chr3-50378307-C-T. GRCh37 (hg19) VCF-style: chr3-50415738-C-T.
Other names: c.1366G>A, p.Gly456Arg (NM_001005505.3, NM_001174051.3); c.1159G>A, p.Gly387Arg (NM_001291101.1); short protein forms G387R, G456R.
Identifiers: ClinVar variation 1430795 (VCV001430795.9), dbSNP rs1389840203, ClinGen allele CA352930363.

ClinVar aggregate classification (germline): Uncertain significance (1 of 4 stars; one submission).

Conditions:
Early-infantile DEE. Also called: Ohtahara syndrome; Early infantile epileptic encephalopathy with suppression bursts; Early infantile epileptic encephalopathy. Identifiers: Orphanet 1934, MedGen C0393706, MONDO:0800491.

Allele frequency attached by ClinVar (database versions not stated): gnomAD exomes below 0.00001.
gnomAD v4.1: 1 of 1,552,346 alleles (0.000064%); highest among the groups gnomAD compares: Non-Finnish European, 0.000087%; no homozygotes.

Submission:

Labcorp Genetics (formerly Invitae), Labcorp
Classification: Uncertain significance for Early-infantile DEE. Last evaluated: 2022-02-12. Review status: criteria provided, single submitter. Criteria: Invitae Variant Classification Sherloc (09022015). Collection method: clinical testing. Allele origin: germline.
Comment: Algorithms developed to predict the effect of sequence changes on RNA splicing suggest that this variant may create or strengthen a splice site. This sequence change replaces glycine, which is neutral and non-polar, with arginine, which is basic and polar, at codon 456 of the CACNA2D2 protein (p.Gly456Arg). This variant is not present in population databases (gnomAD no frequency). This variant has not been reported in the literature in individuals affected with CACNA2D2-related conditions. Algorithms developed to predict the effect of missense changes on protein structure and function are either unavailable or do not agree on the potential impact of this missense change (SIFT: "Deleterious"; PolyPhen-2: "Possibly Damaging"; Align-GVGD: "Class C0"). In summary, the available evidence is currently insufficient to determine the role of this variant in disease. Therefore, it has been classified as a Variant of Uncertain Significance.